The following is an entry in ClinVar:

ClinVar aggregate classification (germline): Uncertain significance. Review status: criteria provided, multiple submitters, no conflicts (2 of 4 stars). 2 submissions from 2 submitters: Uncertain significance (2). Last evaluated 2025-07-10.

Conditions:
Familial thoracic aortic aneurysm and aortic dissection (TAAD). Also called: Thoracic aortic aneurysms and dissections. Identifiers: Orphanet 91387, MedGen C4707243, MONDO:0019625.

gnomAD v4.1: 7 of 1,614,224 alleles (0.00043%); highest among the groups gnomAD compares: East Asian, 0.0089%; no homozygotes.

Submissions (2):

Color Diagnostics, LLC DBA Color Health
Classification: Uncertain significance for Familial thoracic aortic aneurysm and aortic dissection. Last evaluated: 2025-07-10. Review status: criteria provided, single submitter. Criteria: ACMG Guidelines, 2015. Collection method: clinical testing. Allele origin: germline.
Comment: This missense variant replaces arginine with histidine at codon 233 of the FBN1 protein. Computational prediction suggests that this variant may have a deleterious impact on protein structure and function. To our knowledge, functional studies have not been reported for this variant. This variant has been reported in individuals affected with sporadic thoracic aortic dilation and dissection (PMID: 26272055) and an individual affected with sudden death (PMID: 27930701). It has also been reported in a family affected with congenital contractural arachnodactylyaffected individuals in this family also carried a missense variant in the FBN2 gene, while the FBN1 variant did not segregate with disease (PMID: 32747207). This variant has been identified in 5/251282 chromosomes in the general population by the Genome Aggregation Database (gnomAD). The available evidence is insufficient to determine the role of this variant in disease conclusively. Therefore, this variant is classified as a Variant of Uncertain Significance.

Blueprint Genetics
Classification: Uncertain significance. Last evaluated: 2023-04-19. Review status: criteria provided, single submitter. Criteria: ACMG Guidelines, 2015. Collection method: clinical testing. Allele origin: germline.

Literature cited by the submitters: PubMed 26272055 (cited by Color Diagnostics, LLC DBA Color Health); PubMed 27930701 (cited by Color Diagnostics, LLC DBA Color Health); PubMed 32747207 (cited by Color Diagnostics, LLC DBA Color Health).

NM_000138.5(FBN1):c.698G>A (p.Arg233His)

Gene: FBN1 (fibrillin 1; minus strand). Cytogenetic location: 15q21.1.
Variant type: single nucleotide variant.
Coding change: c.698G>A on transcript NM_000138.5 (MANE Select); coding-DNA position 698, G replaced by A.
Protein change: p.Arg233His; replaces arginine 233 with histidine.
Molecular consequence: missense variant.
Genome position (GRCh38, 1-based): chr15:48,537,649, C>T on the plus strand (G>A on the coding strand, the complement: FBN1 is on the minus strand). VCF-style: chr15-48537649-C-T. GRCh37 (hg19) VCF-style: chr15-48829846-C-T.
Other names: c.698G>A, p.Arg233His (NM_001406716.1, NM_001406717.1); short protein forms R233H.
Identifiers: ClinVar variation 4758601 (VCV004758601.2).